The following is an entry in ClinVar:

NM_001655.5(ARCN1):c.800C>T (p.Pro267Leu)

Gene: ARCN1 (archain 1 coat protein complex I subunit delta; plus strand). Cytogenetic location: 11q23.3.
Variant type: single nucleotide variant.
Coding change: c.800C>T on transcript NM_001655.5 (MANE Select); coding-DNA position 800, C replaced by T.
Protein change: p.Pro267Leu; replaces proline 267 with leucine.
Molecular consequence: missense variant.
Genome position (GRCh38, 1-based): chr11:118,584,626, C>T. VCF-style: chr11-118584626-C-T. GRCh37 (hg19) VCF-style: chr11-118455341-C-T.
Other names: c.536C>T, p.Pro179Leu (NM_001142281.2); short protein forms P179L, P267L.
Identifiers: ClinVar variation 2080861 (VCV002080861.4), dbSNP rs782124369, ClinGen allele CA6306136.

ClinVar aggregate classification (germline): Uncertain significance (1 of 4 stars; one submission).

Allele frequency attached by ClinVar (database versions not stated): ExAC 0.00001; gnomAD exomes 0.00001.

Submission:

Labcorp Genetics (formerly Invitae), Labcorp
Classification: Uncertain significance. Last evaluated: 2025-04-28. Review status: criteria provided, single submitter. Criteria: Invitae Variant Classification Sherloc (09022015). Collection method: clinical testing. Allele origin: germline.
Comment: This sequence change replaces proline, which is neutral and non-polar, with leucine, which is neutral and non-polar, at codon 267 of the ARCN1 protein (p.Pro267Leu). This variant is present in population databases (rs782124369, gnomAD 0.006%). This variant has not been reported in the literature in individuals affected with ARCN1-related conditions. ClinVar contains an entry for this variant (Variation ID: 2080861). An algorithm developed to predict the effect of missense changes on protein structure and function outputs the following: PolyPhen-2: "Possibly Damaging". The leucine amino acid residue is found in multiple mammalian species, which suggests that this missense change does not adversely affect protein function. In summary, the available evidence is currently insufficient to determine the role of this variant in disease. Therefore, it has been classified as a Variant of Uncertain Significance.